The following is an entry in ClinVar:

ClinVar aggregate classification (germline): Uncertain significance (1 of 4 stars; one submission).

Conditions:
Catecholaminergic polymorphic ventricular tachycardia 1. Also called: RYR2-Related Catecholaminergic Polymorphic Ventricular Tachycardia; VENTRICULAR TACHYCARDIA, STRESS-INDUCED POLYMORPHIC 1; VENTRICULAR TACHYCARDIA, CATECHOLAMINERGIC POLYMORPHIC, 1, WITH OR WITHOUT ATRIAL DYSFUNCTION AND/OR DILATED CARDIOMYOPATHY. Identifiers: Orphanet 3286, MedGen C1631597, MONDO:0011484, OMIM 604772.

Submission:

Labcorp Genetics (formerly Invitae), Labcorp
Classification: Uncertain significance for Catecholaminergic polymorphic ventricular tachycardia 1. Last evaluated: 2022-07-06. Review status: criteria provided, single submitter. Criteria: Invitae Variant Classification Sherloc (09022015). Collection method: clinical testing. Allele origin: germline.
Comment: In summary, the available evidence is currently insufficient to determine the role of this variant in disease. Therefore, it has been classified as a Variant of Uncertain Significance. This variant has not been reported in the literature in individuals affected with RYR2-related conditions. This variant is not present in population databases (gnomAD no frequency). This variant, c.13347_13352dup, results in the insertion of 2 amino acid(s) of the RYR2 protein (p.Glu4450_Glu4451dup), but otherwise preserves the integrity of the reading frame.

NM_001035.3(RYR2):c.13347AGA[4] (p.Glu4450_Glu4451dup)

Gene: RYR2 (ryanodine receptor 2; plus strand). Cytogenetic location: 1q43.
Variant type: Microsatellite.
Coding change: c.13347AGA[4] on transcript NM_001035.3 (MANE Select); four copies in a row of the 3-base unit AGA starting at c.13347; the reference has two copies in a row; two copies, 6 bases duplicated.
Protein change: p.Glu4450_Glu4451dup.
Molecular consequence: inframe insertion.
Genome position (GRCh38, 1-based): chr1:237,788,006-237,788,011, AGAAGA duplicated; duplicating any 6 consecutive bases within chr1:237,788,005-237,788,011 gives the same sequence; the position shown is the placement nearest the transcript's 3' end. VCF-style (leftmost placement, unchanged base first): chr1-237788004-A-AAAGAAG. GRCh37 (hg19) VCF-style: chr1-237951304-A-AAAGAAG.
Identifiers: ClinVar variation 1419365 (VCV001419365.7), dbSNP rs2149367035, ClinGen allele CA2574453919.
Genomic context (GRCh38, chr1:237,788,004, plus strand): 5'-TTTAGTTTCTGGAGAGCTTATGTTTTGTTTGTTTGTTTTCATAGGGGAGAAGATGGAGAA[A>AAAGAAG]AAGAAGAGAAAGCCAAGGAAGACAAGGGCAAACAAAAGTTGAGGCAGCTTCACACACACA-3'